The following is an entry in ClinVar:

NM_000352.6(ABCC8):c.4297G>A (p.Gly1433Ser)

Gene: ABCC8 (ATP binding cassette subfamily C member 8; minus strand). Cytogenetic location: 11p15.1.
Variant type: single nucleotide variant.
Coding change: c.4297G>A on transcript NM_000352.6 (MANE Select); coding-DNA position 4297, G replaced by A.
Protein change: p.Gly1433Ser; replaces glycine 1433 with serine.
Molecular consequence: missense variant. On other transcripts: non-coding transcript variant (1).
Genome position (GRCh38, 1-based): chr11:17,395,620, C>T on the plus strand (G>A on the coding strand, the complement: ABCC8 is on the minus strand). VCF-style: chr11-17395620-C-T. GRCh37 (hg19) VCF-style: chr11-17417167-C-T.
Other names: c.4300G>A, p.Gly1434Ser (NM_001287174.3); c.4363G>A, p.Gly1455Ser (NM_001351295.2); c.4297G>A, p.Gly1433Ser (NM_001351296.2); c.4294G>A, p.Gly1432Ser (NM_001351297.2); short protein forms G1432S, G1433S, G1434S, G1455S.
Identifiers: ClinVar variation 1065990 (VCV001065990.14), dbSNP rs781090024, ClinGen allele CA5902519.
Genomic context (GRCh38, chr11:17,395,620, plus strand): 5'-GAACTGAGCCGGCCTGGGGCTGGGTGGGCCTGAGGGGTGGTGGGGCTCACCGGATGGTGC[C>T]GCTGAAGAGGACGGGGTCCTGCAGGATGATGGAGAGGCGTGAGCGCAGGGTGTGCAGCGG-3'
Protein context (NP_000343.2, residues 1423-1443): IILQDPVLFS[Gly1433Ser]TIRFNLDPER

ClinVar aggregate classification (germline): Pathogenic/Likely pathogenic. Review status: criteria provided, multiple submitters, no conflicts (2 of 4 stars). 4 submissions from 4 submitters: Pathogenic (1); Likely pathogenic (2). 1 of the submissions does not count toward it. Last evaluated 2023-07-25.

Conditions:
Type 2 diabetes mellitus. Also called: Type II diabetes mellitus. Identifiers: MedGen C0011860, MeSH D003924, MONDO:0005148, OMIM 125853, HP:0005978.

Allele frequency attached by ClinVar (database versions not stated): TOPMed 0.00001; gnomAD 0.00002; gnomAD exomes 0.00001.
gnomAD v4.1: 10 of 1,552,814 alleles (0.00064%); highest among the groups gnomAD compares: East Asian, 0.0048%; no homozygotes.

Submissions (4):

Labcorp Genetics (formerly Invitae), Labcorp
Classification: Likely pathogenic. Last evaluated: 2023-07-25. Review status: criteria provided, single submitter. Criteria: Invitae Variant Classification Sherloc (09022015). Collection method: clinical testing. Allele origin: germline.
Comment: ClinVar contains an entry for this variant (Variation ID: 1065990). In summary, the currently available evidence indicates that the variant is pathogenic, but additional data are needed to prove that conclusively. Therefore, this variant has been classified as Likely Pathogenic. Advanced modeling of protein sequence and biophysical properties (such as structural, functional, and spatial information, amino acid conservation, physicochemical variation, residue mobility, and thermodynamic stability) performed at Invitae indicates that this missense variant is expected to disrupt ABCC8 protein function. This missense change has been observed in individual(s) with autosomal dominant ABCC8-related early onset diabetes and/or clinical features of autosomal recessive familial hyperinsulinism (PMID: 20685672, 31957151). It has also been observed to segregate with disease in related individuals. This variant is present in population databases (rs781090024, gnomAD 0.006%). This sequence change replaces glycine, which is neutral and non-polar, with serine, which is neutral and polar, at codon 1433 of the ABCC8 protein (p.Gly1433Ser).

Baylor Genetics
Classification: Likely pathogenic for Type 2 diabetes mellitus. Last evaluated: 2023-04-08. Review status: criteria provided, single submitter. Criteria: ACMG Guidelines, 2015. Collection method: clinical testing. Allele origin: unknown.

Genetic Services Laboratory, University of Chicago
Classification: Pathogenic. Last evaluated: 2018-07-27. Review status: criteria provided, single submitter. Criteria: ACMG Guidelines, 2015. Collection method: clinical testing. Allele origin: germline. Affected: yes.

GeneDx
Classification: Uncertain significance. Last evaluated: 2024-12-02. Review status: flagged submission. Criteria: GeneDx Variant Classification Process June 2021. Collection method: clinical testing. Allele origin: germline. Affected: yes. Not counted in ClinVar's aggregate classification.
Comment: Not observed at significant frequency in large population cohorts (gnomAD); In silico analysis supports that this missense variant has a deleterious effect on protein structure/function; This variant is associated with the following publications: (PMID: 20685672, 31957151)
ClinVar note: Reason: Outlier claim with insufficient supporting evidence

Literature cited by the submitters: PubMed 20685672 (cited by Labcorp Genetics (formerly Invitae), Labcorp); PubMed 31957151 (cited by Labcorp Genetics (formerly Invitae), Labcorp).